The following is an entry in ClinVar:

ClinVar aggregate classification (germline): Benign/Likely benign. Review status: criteria provided, multiple submitters, no conflicts (2 of 4 stars). 4 submissions from 4 submitters: Benign (1); Likely benign (3). Last evaluated 2025-05-02.

Conditions:
Hereditary cancer-predisposing syndrome. Also called: Neoplastic Syndromes, Hereditary; Hereditary neoplastic syndrome; Tumor predisposition; Hereditary Cancer Syndrome. Identifiers: Orphanet 140162, MedGen C0027672, MeSH D009386, MONDO:0015356.
Tuberous sclerosis 2 (TSC2). Identifiers: Orphanet 805, MedGen C1860707, MONDO:0013199, OMIM 613254.

Submissions (4):

Myriad Genetics, Inc.
Classification: Benign for Tuberous sclerosis 2. Last evaluated: 2025-05-02. Review status: criteria provided, single submitter. Criteria: Myriad Autosomal Dominant, Autosomal Recessive and X-Linked Classification Criteria (2023). Collection method: clinical testing. Allele origin: unknown.
Comment: This variant is considered benign. This variant is a silent/synonymous amino acid change and it is not expected to impact splicing.

Labcorp Genetics (formerly Invitae), Labcorp
Classification: Likely benign for Tuberous sclerosis 2. Last evaluated: 2024-10-03. Review status: criteria provided, single submitter. Criteria: Invitae Variant Classification Sherloc (09022015). Collection method: clinical testing. Allele origin: germline.

Ambry Genetics
Classification: Likely benign for Hereditary cancer-predisposing syndrome. Last evaluated: 2022-10-08. Review status: criteria provided, single submitter. Criteria: Ambry Variant Classification Scheme 2023. Collection method: clinical testing. Allele origin: germline.

Breakthrough Genomics
Classification: Likely benign. Review status: criteria provided, single submitter. Criteria: ACMG Guidelines, 2015. Collection method: not provided. Allele origin: germline. Inheritance: Autosomal dominant inheritance. Affected: yes.

NM_000548.5(TSC2):c.210C>G (p.Thr70=)

Gene: TSC2 (TSC complex subunit 2; plus strand). Cytogenetic location: 16p13.3.
Variant type: single nucleotide variant.
Coding change: c.210C>G on transcript NM_000548.5 (MANE Select); coding-DNA position 210, C replaced by G.
Protein change: p.Thr70=; no amino-acid change (threonine 70 retained).
Molecular consequence: synonymous variant. On other transcripts: 5 prime UTR variant (1).
Genome position (GRCh38, 1-based): chr16:2,050,471, C>G. VCF-style: chr16-2050471-C-G. GRCh37 (hg19) VCF-style: chr16-2100472-C-G.
Other names: c.210C>G, p.Thr70= (NM_001077183.3, NM_001114382.3, NM_001318827.2 and 4 more transcripts); c.63C>G, p.Thr21= (NM_001318829.2); c.-17C>G (NM_001318831.2); c.243C>G, p.Thr81= (NM_001318832.2).
Identifiers: ClinVar variation 1137067 (VCV001137067.13), dbSNP rs2084966494, ClinGen allele CA492954925.
Genomic context (GRCh38, chr16:2,050,471, plus strand): 5'-GGAATGTGGCCTCAACAATCGCATCCGGATGATAGGGCAGATTTGTGAAGTCGCAAAAAC[C>G]AAGAAATTTGAAGAGGTAGGTTTATCCAGTTGAGCTACTAGAGAGAGGCACGTAGACTAT-3'
Protein context (NP_000539.2, residues 60-80): MIGQICEVAK[Thr70=]KKFEEHAVEA